The following is an entry in ClinVar:

NM_015202.5(KATNIP):c.882G>T (p.Glu294Asp)

Gene: KATNIP (katanin interacting protein; plus strand). Cytogenetic location: 16p12.1.
Variant type: single nucleotide variant.
Coding change: c.882G>T on transcript NM_015202.5 (MANE Select); coding-DNA position 882, G replaced by T.
Protein change: p.Glu294Asp; replaces glutamic acid 294 with aspartic acid.
Molecular consequence: missense variant.
Genome position (GRCh38, 1-based): chr16:27,681,472, G>T. VCF-style: chr16-27681472-G-T. GRCh37 (hg19) VCF-style: chr16-27692793-G-T.
Other names: c.882G>T (NM_015202.2); short protein forms E294D.
Identifiers: ClinVar variation 2646342 (VCV002646342.25), dbSNP rs374322406, ClinGen allele CA7977482.

ClinVar aggregate classification (germline): Conflicting classifications of pathogenicity. Review status: criteria provided, conflicting classifications (1 of 4 stars). 2 submissions from 2 submitters: Uncertain significance (1); Likely benign (1). Last evaluated 2022-08-01.

Allele frequency attached by ClinVar (database versions not stated): ESP Exome Variant Server 0.00008; gnomAD 0.00013; TOPMed 0.00013; ExAC 0.00019.

Submissions (2):

CeGaT Center for Human Genetics Tuebingen
Classification: Likely benign. Last evaluated: 2022-08-01. Review status: criteria provided, single submitter. Criteria: CeGaT Center For Human Genetics Tuebingen Variant Classification Criteria Version 2. Collection method: clinical testing. Allele origin: germline. Affected: yes. Observed: 1 variant allele.
Comment: KATNIP: BP4

Ambry Genetics
Classification: Uncertain significance. Last evaluated: 2021-07-09. Review status: criteria provided, single submitter. Criteria: Ambry Variant Classification Scheme 2023. Collection method: clinical testing. Allele origin: germline.